The following is an entry in ClinVar:

NM_006648.4(WNK2):c.6427A>G (p.Lys2143Glu)

Gene: WNK2 (WNK lysine deficient protein kinase 2; plus strand). Cytogenetic location: 9q22.31.
Variant type: single nucleotide variant.
Coding change: c.6427A>G on transcript NM_006648.4 (MANE Select); coding-DNA position 6427, A replaced by G.
Protein change: p.Lys2143Glu; replaces lysine 2143 with glutamic acid.
Molecular consequence: missense variant.
Genome position (GRCh38, 1-based): chr9:93,308,495, A>G. VCF-style: chr9-93308495-A-G. GRCh37 (hg19) VCF-style: chr9-96070777-A-G.
Other names: c.6538A>G, p.Lys2180Glu (NM_001282394.3); short protein forms K2143E, K2180E.
Identifiers: ClinVar variation 3817096 (VCV003817096.1).

ClinVar aggregate classification (germline): Uncertain significance (1 of 4 stars; one submission).

Submission:

Ambry Genetics
Classification: Uncertain significance. Last evaluated: 2025-02-16. Review status: criteria provided, single submitter. Criteria: Ambry Variant Classification Scheme 2023. Collection method: clinical testing. Allele origin: germline.
Comment: The p.K2143E variant (also known as c.6427A>G), located in coding exon 27 of the WNK2 gene, results from an A to G substitution at nucleotide position 6427. The lysine at codon 2143 is replaced by glutamic acid, an amino acid with similar properties. This amino acid position is conserved. In addition, this alteration is predicted to be deleterious by in silico analysis. Based on the available evidence, the clinical significance of this variant remains unclear.